The following is an entry in ClinVar:

ClinVar aggregate classification (germline): Benign. Review status: criteria provided, multiple submitters, no conflicts (2 of 4 stars). 25 submissions from 18 submitters: Benign (21). 4 of the submissions do not count toward it. Last evaluated 2026-02-04.

Conditions:
Autosomal recessive limb-girdle muscular dystrophy type 2J (LGMDR10). Also called: Limb-girdle muscular dystrophy, type 2J; MUSCULAR DYSTROPHY, LIMB-GIRDLE, AUTOSOMAL RECESSIVE 10. Identifiers: Orphanet 140922, MedGen C1837342, MONDO:0012127, OMIM 608807.
Dilated cardiomyopathy 1G (CMD1G). Identifiers: Orphanet 154, MedGen C1858763, MONDO:0011400, OMIM 604145.
Early-onset myopathy with fatal cardiomyopathy (CMYO5). Also called: Salih Myopathy; CONGENITAL MYOPATHY 5 WITH CARDIOMYOPATHY. Identifiers: Orphanet 289377, MedGen C2673677, MONDO:0012714, OMIM 611705. Disease mechanism: loss of function.
Myopathy, myofibrillar, 9, with early respiratory failure (MFM9). Also called: Hereditary myopathy with early respiratory failure; EDSTROM MYOPATHY; MYOPATHY, PROXIMAL, WITH EARLY RESPIRATORY MUSCLE INVOLVEMENT; Myopathy, distal, with early respiratory failure, autosomal dominant. Identifiers: Orphanet 178464, Orphanet 34521, MedGen C1863599, MONDO:0011362, OMIM 603689.
Tibial muscular dystrophy (TMD). Also called: UDD MYOPATHY; Udd Distal Myopathy – Tibial Muscular Dystrophy; Tibial muscular dystrophy, tardive. Identifiers: Orphanet 609, MedGen C1838244, MONDO:0010870, OMIM 600334.

Allele frequency attached by ClinVar (database versions not stated): 1000 Genomes Project 30x 0.91084; 1000 Genomes Project 0.91154; TOPMed 0.93438; gnomAD 0.94227 and 0.94321; ESP Exome Variant Server 0.94649; ExAC 0.95877; gnomAD exomes 0.96061 and 0.98086.
gnomAD v4.1: 1,576,609 of 1,613,998 alleles (98%); highest among the groups gnomAD compares: Non-Finnish European, 99%; 771,242 homozygotes.

Submissions (25):

Labcorp Genetics (formerly Invitae), Labcorp
Classification: Benign for Dilated cardiomyopathy 1G; Autosomal recessive limb-girdle muscular dystrophy type 2J. Last evaluated: 2026-02-04. Review status: criteria provided, single submitter. Criteria: Invitae Variant Classification Sherloc (09022015). Collection method: clinical testing. Allele origin: germline.

Molecular Diagnostic Laboratory for Inherited Cardiovascular Disease, Montreal Heart Institute
Classification: Benign. Last evaluated: 2025-04-09. Review status: criteria provided, single submitter. Criteria: ACMG Guidelines, 2015. Collection method: clinical testing. Allele origin: germline. Affected: no.

Blueprint Genetics
Classification: Benign. Last evaluated: 2024-11-26. Review status: criteria provided, single submitter. Criteria: ACMG Guidelines, 2015. Collection method: clinical testing. Allele origin: germline.

Genome-Nilou Lab
Classification: Benign for Autosomal recessive limb-girdle muscular dystrophy type 2J. Last evaluated: 2021-09-10. Review status: criteria provided, single submitter. Criteria: ACMG Guidelines, 2015. Collection method: clinical testing. Allele origin: germline. Affected: no.

Genome-Nilou Lab
Classification: Benign for Myopathy, myofibrillar, 9, with early respiratory failure. Last evaluated: 2021-09-10. Review status: criteria provided, single submitter. Criteria: ACMG Guidelines, 2015. Collection method: clinical testing. Allele origin: germline. Affected: no.

Genome-Nilou Lab
Classification: Benign for Early-onset myopathy with fatal cardiomyopathy. Last evaluated: 2021-09-10. Review status: criteria provided, single submitter. Criteria: ACMG Guidelines, 2015. Collection method: clinical testing. Allele origin: germline. Affected: no.

Genome-Nilou Lab
Classification: Benign for Tibial muscular dystrophy. Last evaluated: 2021-09-10. Review status: criteria provided, single submitter. Criteria: ACMG Guidelines, 2015. Collection method: clinical testing. Allele origin: germline. Affected: no.

Women's Health and Genetics/Laboratory Corporation of America, LabCorp
Classification: Benign. Last evaluated: 2019-08-09. Review status: criteria provided, single submitter. Criteria: LabCorp Variant Classification Summary - May 2015. Collection method: clinical testing. Allele origin: germline.

Athena Diagnostics
Classification: Benign. Last evaluated: 2019-01-15. Review status: criteria provided, single submitter. Criteria: Athena Diagnostics Criteria. Collection method: clinical testing. Allele origin: germline.

Illumina Laboratory Services, Illumina
Classification: Benign for Early-onset myopathy with fatal cardiomyopathy. Last evaluated: 2018-01-13. Review status: criteria provided, single submitter. Criteria: ICSL Variant Classification Criteria 13 December 2019. Collection method: clinical testing. Allele origin: germline.
Comment: This variant was observed in the ICSL laboratory as part of a predisposition screen in an ostensibly healthy population. It had not been previously curated by ICSL or reported in the Human Gene Mutation Database (HGMD: prior to June 1st, 2018), and was therefore a candidate for classification through an automated scoring system. Utilizing variant allele frequency, disease prevalence and penetrance estimates, and inheritance mode, an automated score was calculated to assess if this variant is too frequent to cause the disease. Based on the score and internal cut-off values, a variant classified as benign is not then subjected to further curation. The score for this variant resulted in a classification of benign for this disease.

Illumina Laboratory Services, Illumina
Classification: Benign for Dilated cardiomyopathy 1G. Last evaluated: 2018-01-13. Review status: criteria provided, single submitter. Criteria: ICSL Variant Classification Criteria 13 December 2019. Collection method: clinical testing. Allele origin: germline.
Comment: the same text as in the submission from Illumina Laboratory Services, Illumina above.

Illumina Laboratory Services, Illumina
Classification: Benign for Tibial muscular dystrophy. Last evaluated: 2018-01-13. Review status: criteria provided, single submitter. Criteria: ICSL Variant Classification Criteria 13 December 2019. Collection method: clinical testing. Allele origin: germline.
Comment: the same text as in the submission from Illumina Laboratory Services, Illumina above.

Illumina Laboratory Services, Illumina
Classification: Benign for Autosomal recessive limb-girdle muscular dystrophy type 2J. Last evaluated: 2018-01-13. Review status: criteria provided, single submitter. Criteria: ICSL Variant Classification Criteria 13 December 2019. Collection method: clinical testing. Allele origin: germline.
Comment: the same text as in the submission from Illumina Laboratory Services, Illumina above.

Illumina Laboratory Services, Illumina
Classification: Benign for Myopathy, myofibrillar, 9, with early respiratory failure. Last evaluated: 2018-01-13. Review status: criteria provided, single submitter. Criteria: ICSL Variant Classification Criteria 13 December 2019. Collection method: clinical testing. Allele origin: germline.
Comment: the same text as in the submission from Illumina Laboratory Services, Illumina above.

Mayo Clinic Laboratories, Mayo Clinic
Classification: Benign. Last evaluated: 2017-10-04. Review status: criteria provided, single submitter. Criteria: ACMG Guidelines, 2015. Collection method: clinical testing. Allele origin: germline. Observed: 2,433 variant alleles.

Genetic Services Laboratory, University of Chicago
Classification: Benign for AllHighlyPenetrant. Last evaluated: 2013-08-15. Review status: criteria provided, single submitter. Criteria: ACMG Guidelines, 2007. Collection method: clinical testing. Allele origin: germline.

Eurofins Ntd Llc (ga)
Classification: Benign. Last evaluated: 2013-07-23. Review status: criteria provided, single submitter. Criteria: EGL Classification Definitions 2015. Collection method: clinical testing. Allele origin: germline. Observed: 5 variant alleles, 5 homozygotes.

GeneDx
Classification: Benign. Last evaluated: 2012-11-01. Review status: criteria provided, single submitter. Criteria: GeneDx Variant Classification (06012015). Collection method: clinical testing. Allele origin: germline. Affected: yes.
Comment: This variant is considered likely benign or benign based on one or more of the following criteria: it is a conservative change, it occurs at a poorly conserved position in the protein, it is predicted to be benign by multiple in silico algorithms, and/or has population frequency not consistent with disease.

Laboratory for Molecular Medicine, Mass General Brigham Personalized Medicine
Classification: Benign. Last evaluated: 2011-09-16. Review status: criteria provided, single submitter. Criteria: LMM Criteria. Collection method: clinical testing. Allele origin: germline. Observed: 1,908 variant alleles.

Breakthrough Genomics
Classification: Benign. Review status: criteria provided, single submitter. Criteria: ACMG Guidelines, 2015. Collection method: not provided. Allele origin: germline. Inheritance: Autosomal recessive inheritance. Affected: yes.

PreventionGenetics, part of Exact Sciences
Classification: Benign. Review status: criteria provided, single submitter. Criteria: ACMG Guidelines, 2015. Collection method: clinical testing. Allele origin: germline.

Clinical Genetics DNA and cytogenetics Diagnostics Lab, Erasmus MC, Erasmus Medical Center
Classification: Benign. Review status: no assertion criteria provided. Collection method: clinical testing. Allele origin: germline. Affected: yes. Study: VKGL Data-share Consensus. Not counted in ClinVar's aggregate classification.

Clinical Genetics, Academic Medical Center
Classification: Benign. Review status: no assertion criteria provided. Collection method: clinical testing. Allele origin: germline. Affected: yes. Study: VKGL Data-share Consensus. Not counted in ClinVar's aggregate classification.

Diagnostic Laboratory, Department of Genetics, University Medical Center Groningen
Classification: Benign. Review status: no assertion criteria provided. Collection method: clinical testing. Allele origin: germline. Affected: yes. Study: VKGL Data-share Consensus. Not counted in ClinVar's aggregate classification.

Genome Diagnostics Laboratory, University Medical Center Utrecht
Classification: Benign. Review status: no assertion criteria provided. Collection method: clinical testing. Allele origin: germline. Affected: yes. Study: VKGL Data-share Consensus. Not counted in ClinVar's aggregate classification.

NM_001267550.2(TTN):c.4480+6C>T

Genes: TTN (titin; minus strand), LOC101927055 (uncharacterized LOC101927055; plus strand). Cytogenetic location: 2q31.2.
Variant type: single nucleotide variant.
Coding change: c.4480+6C>T on transcript NM_001267550.2 (MANE Select); 6 bases into the intron after coding-DNA position 4480, C replaced by T.
Molecular consequence: intron variant. On other transcripts: non-coding transcript variant (1).
Genome position (GRCh38, 1-based): chr2:178,777,698, G>A on the plus strand (C>T on the coding strand, the complement: TTN is on the minus strand). VCF-style: chr2-178777698-G-A. GRCh37 (hg19) VCF-style: chr2-179642425-G-A.
Other names: p.?; c.4342+6C>T (NM_003319.4, NM_133437.4, NM_133432.3); c.4480+6C>T (NM_133379.5, NM_133378.4, NM_001256850.1).
Identifiers: ClinVar variation 47063 (VCV000047063.40), dbSNP rs719201, ClinGen allele CA283407.